The following is an entry in ClinVar:

NM_002439.5(MSH3):c.1984C>G (p.His662Asp)

Gene: MSH3 (mutS homolog 3; plus strand). Cytogenetic location: 5q14.1.
Variant type: single nucleotide variant.
Coding change: c.1984C>G on transcript NM_002439.5 (MANE Select); coding-DNA position 1984, C replaced by G.
Protein change: p.His662Asp; replaces histidine 662 with aspartic acid.
Molecular consequence: missense variant.
Genome position (GRCh38, 1-based): chr5:80,768,020, C>G. VCF-style: chr5-80768020-C-G. GRCh37 (hg19) VCF-style: chr5-80063839-C-G.
Other names: short protein forms H662D.
Identifiers: ClinVar variation 2003708 (VCV002003708.4), dbSNP rs2546773624, ClinGen allele CA360277637.

ClinVar aggregate classification (germline): Uncertain significance (1 of 4 stars; one submission).

Submission:

Labcorp Genetics (formerly Invitae), Labcorp
Classification: Uncertain significance. Last evaluated: 2022-06-09. Review status: criteria provided, single submitter. Criteria: Invitae Variant Classification Sherloc (09022015). Collection method: clinical testing. Allele origin: germline.
Comment: Algorithms developed to predict the effect of missense changes on protein structure and function are either unavailable or do not agree on the potential impact of this missense change (SIFT: "Deleterious"; PolyPhen-2: "Benign"; Align-GVGD: "Class C0"). This variant has not been reported in the literature in individuals affected with MSH3-related conditions. This variant is not present in population databases (gnomAD no frequency). This sequence change replaces histidine, which is basic and polar, with aspartic acid, which is acidic and polar, at codon 662 of the MSH3 protein (p.His662Asp). In summary, the available evidence is currently insufficient to determine the role of this variant in disease. Therefore, it has been classified as a Variant of Uncertain Significance.